The following is an entry in ClinVar:

ClinVar aggregate classification (germline): Uncertain significance (1 of 4 stars; one submission).

Conditions:
Alstrom syndrome (ALMS). Identifiers: Orphanet 64, MedGen C0268425, MONDO:0008763, OMIM 203800.

Submission:

Labcorp Genetics (formerly Invitae), Labcorp
Classification: Uncertain significance for Alstrom syndrome. Last evaluated: 2022-10-05. Review status: criteria provided, single submitter. Criteria: Invitae Variant Classification Sherloc (09022015). Collection method: clinical testing. Allele origin: germline.
Comment: This sequence change replaces alanine, which is neutral and non-polar, with threonine, which is neutral and polar, at codon 2228 of the ALMS1 protein (p.Ala2228Thr). This variant is not present in population databases (gnomAD no frequency). In summary, the available evidence is currently insufficient to determine the role of this variant in disease. Therefore, it has been classified as a Variant of Uncertain Significance. Experimental studies and prediction algorithms are not available or were not evaluated, and the functional significance of this variant is currently unknown. This variant has not been reported in the literature in individuals affected with ALMS1-related conditions.

NM_001378454.1(ALMS1):c.6679G>A (p.Ala2227Thr)

Gene: ALMS1 (ALMS1 centrosome and basal body associated protein; plus strand). Cytogenetic location: 2p13.1.
Variant type: single nucleotide variant.
Coding change: c.6679G>A on transcript NM_001378454.1 (MANE Select); coding-DNA position 6679, G replaced by A.
Protein change: p.Ala2227Thr; replaces alanine 2227 with threonine.
Molecular consequence: missense variant.
Genome position (GRCh38, 1-based): chr2:73,453,206, G>A. VCF-style: chr2-73453206-G-A. GRCh37 (hg19) VCF-style: chr2-73680333-G-A.
Other names: c.6682G>A, p.Ala2228Thr (NM_015120.4); short protein forms A2227T, A2228T.
Identifiers: ClinVar variation 1930001 (VCV001930001.5), dbSNP rs1671986679, ClinGen allele CA347289001.